The following is an entry in ClinVar:

ClinVar aggregate classification (germline): Uncertain significance (1 of 4 stars; one submission).

Conditions:
Neuronal ceroid lipofuscinosis. Also called: Neuronal Ceroid Lipofuscinoses. Identifiers: Orphanet 216, Orphanet 79263, MedGen C0027877, MONDO:0016295. Disease mechanism: loss of function.

Submission:

Labcorp Genetics (formerly Invitae), Labcorp
Classification: Uncertain significance for Neuronal ceroid lipofuscinosis. Last evaluated: 2021-11-06. Review status: criteria provided, single submitter. Criteria: Invitae Variant Classification Sherloc (09022015). Collection method: clinical testing. Allele origin: germline.
Comment: This variant is not present in population databases (gnomAD no frequency). This sequence change falls in intron 1 of the CTSD gene. It does not directly change the encoded amino acid sequence of the CTSD protein. This variant has not been reported in the literature in individuals affected with CTSD-related conditions. Algorithms developed to predict the effect of sequence changes on RNA splicing suggest that this variant may create or strengthen a splice site. In summary, the available evidence is currently insufficient to determine the role of this variant in disease. Therefore, it has been classified as a Variant of Uncertain Significance.

NM_001909.5(CTSD):c.69-12C>A

Genes: CTSD (cathepsin D; minus strand), PRADX (PRC2 and DDX5 associated lncRNA; plus strand). Cytogenetic location: 11p15.5.
Variant type: single nucleotide variant.
Coding change: c.69-12C>A on transcript NM_001909.5 (MANE Select); 12 bases into the intron before coding-DNA position 69, C replaced by A.
Molecular consequence: intron variant.
Genome position (GRCh38, 1-based): chr11:1,761,480, G>T on the plus strand (C>A on the coding strand, the complement: CTSD is on the minus strand). VCF-style: chr11-1761480-G-T. GRCh37 (hg19) VCF-style: chr11-1782710-G-T.
Identifiers: ClinVar variation 1388861 (VCV001388861.6), dbSNP rs764025297, ClinGen allele CA471995001.